The following is an entry in ClinVar:

ClinVar aggregate classification (germline): Uncertain significance. Review status: criteria provided, multiple submitters, no conflicts (2 of 4 stars). 5 submissions from 5 submitters: Uncertain significance (3). 2 of the submissions do not count toward it. Last evaluated 2025-02-06.

Conditions:
Familial thoracic aortic aneurysm and aortic dissection (TAAD). Also called: Thoracic aortic aneurysms and dissections. Identifiers: Orphanet 91387, MedGen C4707243, MONDO:0019625.
Ehlers-Danlos syndrome, type 4 (EDSVASC). Also called: Ehlers-Danlos syndrome vascular type; Ehlers Danlos syndrome, ecchymotic type; Ehlers Danlos syndrome, arterial type; Ehlers Danlos syndrome, Sack-Barabas type; Ehlers-Danlos Syndrome Type IV. Identifiers: Orphanet 286, MedGen C0268338, MONDO:0017314, OMIM 130050.

Allele frequency attached by ClinVar (database versions not stated): gnomAD exomes below 0.00001; TOPMed below 0.00001.
gnomAD v4.1: 2 of 1,613,152 alleles (0.00012%); highest among the groups gnomAD compares: Non-Finnish European, 0.00017%; no homozygotes.

Submissions (5):

Color Diagnostics, LLC DBA Color Health
Classification: Uncertain significance for Familial thoracic aortic aneurysm and aortic dissection. Last evaluated: 2025-02-06. Review status: criteria provided, single submitter. Criteria: ACMG Guidelines, 2015. Collection method: clinical testing. Allele origin: germline.
Comment: This missense variant replaces glutamic acid with glycine at codon 274 of the COL3A1 protein. Computational prediction suggests that this variant may not impact protein structure and function. To our knowledge, functional studies have not been reported for this variant. This variant has been reported in an individual affected with thoracic aortic aneurysm and dissection (PMID: 29907982). This variant has not been identified in the general population by the Genome Aggregation Database (gnomAD). The available evidence is insufficient to determine the role of this variant in disease conclusively. Therefore, this variant is classified as a Variant of Uncertain Significance.

Labcorp Genetics (formerly Invitae), Labcorp
Classification: Uncertain significance for Ehlers-Danlos syndrome, type 4. Last evaluated: 2024-11-19. Review status: criteria provided, single submitter. Criteria: Invitae Variant Classification Sherloc (09022015). Collection method: clinical testing. Allele origin: germline.
Comment: This sequence change replaces glutamic acid, which is acidic and polar, with glycine, which is neutral and non-polar, at codon 274 of the COL3A1 protein (p.Glu274Gly). This variant is not present in population databases (gnomAD no frequency). This missense change has been observed in individual(s) with clinical features of COL3A1-related conditions (PMID: 29907982). ClinVar contains an entry for this variant (Variation ID: 1174864). Invitae Evidence Modeling of protein sequence and biophysical properties (such as structural, functional, and spatial information, amino acid conservation, physicochemical variation, residue mobility, and thermodynamic stability) indicates that this missense variant is not expected to disrupt COL3A1 protein function with a negative predictive value of 95%. In summary, the available evidence is currently insufficient to determine the role of this variant in disease. Therefore, it has been classified as a Variant of Uncertain Significance.

All of Us Research Program, National Institutes of Health
Classification: Uncertain significance for Ehlers-Danlos syndrome, type 4. Last evaluated: 2023-08-08. Review status: criteria provided, single submitter. Criteria: ACMG Guidelines, 2015. Collection method: clinical testing. Allele origin: germline. Inheritance: Autosomal dominant inheritance. Observed: 1 variant allele, 1 heterozygote.
Comment: This missense variant replaces glutamic acid with glycine at codon 274 of the COL3A1 protein. Computational prediction suggests that this variant may not impact protein structure and function (internally defined REVEL score threshold <= 0.5, PMID: 27666373). To our knowledge, functional studies have not been reported for this variant. This variant has been reported in an individual affected with thoracic aortic aneurysm and dissection (PMID: 29907982). This variant has not been identified in the general population by the Genome Aggregation Database (gnomAD). The available evidence is insufficient to determine the role of this variant in disease conclusively. Therefore, this variant is classified as a Variant of Uncertain Significance.

This study involves interpretation of variants in research participants for the purpose of population health screening. Participant phenotype was not available at the time of variant classification. Additional details can be found in publication PMID: 35346344, PMCID: PMC8962531

Diagnostic Laboratory, Department of Genetics, University Medical Center Groningen
Classification: Uncertain significance. Review status: no assertion criteria provided. Collection method: clinical testing. Allele origin: germline. Affected: yes. Study: VKGL Data-share Consensus. Not counted in ClinVar's aggregate classification.

Genome Diagnostics Laboratory, Amsterdam University Medical Center
Classification: Uncertain significance. Review status: no assertion criteria provided. Collection method: clinical testing. Allele origin: germline. Affected: yes. Study: VKGL Data-share Consensus. Not counted in ClinVar's aggregate classification.

Literature cited by the submitters: PubMed 29907982 (cited by 3 submitters).

NM_000090.4(COL3A1):c.821A>G (p.Glu274Gly)

Gene: COL3A1 (collagen type III alpha 1 chain; plus strand). Cytogenetic location: 2q32.2.
Variant type: single nucleotide variant.
Coding change: c.821A>G on transcript NM_000090.4 (MANE Select); coding-DNA position 821, A replaced by G.
Protein change: p.Glu274Gly; replaces glutamic acid 274 with glycine.
Molecular consequence: missense variant.
Genome position (GRCh38, 1-based): chr2:188,991,026, A>G. VCF-style: chr2-188991026-A-G. GRCh37 (hg19) VCF-style: chr2-189855752-A-G.
Other names: short protein forms E274G.
Identifiers: ClinVar variation 1174864 (VCV001174864.11), dbSNP rs1688177791, ClinGen allele CA349849788.